The following is an entry in ClinVar:

ClinVar aggregate classification (germline): Conflicting classifications of pathogenicity. Review status: criteria provided, conflicting classifications (1 of 4 stars). 2 submissions from 2 submitters: Uncertain significance (1); Likely benign (1). Last evaluated 2023-03-31.

Allele frequency attached by ClinVar (database versions not stated): gnomAD 0.00001; gnomAD exomes 0.00002; TOPMed 0.00002.
gnomAD v4.1: 9 of 1,534,650 alleles (0.00059%); highest among the groups gnomAD compares: Non-Finnish European, 0.00079%; no homozygotes.

Submissions (2):

Blueprint Genetics
Classification: Likely benign. Last evaluated: 2023-03-31. Review status: criteria provided, single submitter. Criteria: ACMG Guidelines, 2015. Collection method: clinical testing. Allele origin: germline.

Labcorp Genetics (formerly Invitae), Labcorp
Classification: Uncertain significance. Last evaluated: 2022-07-15. Review status: criteria provided, single submitter. Criteria: Invitae Variant Classification Sherloc (09022015). Collection method: clinical testing. Allele origin: germline.
Comment: This sequence change falls in intron 8 of the ARPC1B gene. It does not directly change the encoded amino acid sequence of the ARPC1B protein. It affects a nucleotide within the consensus splice site. The frequency data for this variant in the population databases is considered unreliable, as metrics indicate poor data quality at this position in the gnomAD database. This variant has not been reported in the literature in individuals affected with ARPC1B-related conditions. Variants that disrupt the consensus splice site are a relatively common cause of aberrant splicing (PMID: 17576681, 9536098). Algorithms developed to predict the effect of sequence changes on RNA splicing suggest that this variant is not likely to affect RNA splicing. In summary, the available evidence is currently insufficient to determine the role of this variant in disease. Therefore, it has been classified as a Variant of Uncertain Significance.

Literature cited by the submitters: PubMed 17576681 (cited by Labcorp Genetics (formerly Invitae), Labcorp); PubMed 9536098 (cited by Labcorp Genetics (formerly Invitae), Labcorp).

NM_005720.4(ARPC1B):c.989+3G>A

Gene: ARPC1B (actin related protein 2/3 complex subunit 1B; plus strand). Cytogenetic location: 7q22.1.
Variant type: single nucleotide variant.
Coding change: c.989+3G>A on transcript NM_005720.4 (MANE Select); 3 bases into the intron after coding-DNA position 989, G replaced by A.
Molecular consequence: intron variant.
Genome position (GRCh38, 1-based): chr7:99,392,879, G>A. VCF-style: chr7-99392879-G-A. GRCh37 (hg19) VCF-style: chr7-98990502-G-A.
Identifiers: ClinVar variation 2068088 (VCV002068088.2), dbSNP rs1001750741, ClinGen allele CA163113758.